The following is an entry in ClinVar:

ClinVar aggregate classification (germline): Uncertain significance (1 of 4 stars; one submission).

Conditions:
Hereditary cancer-predisposing syndrome. Also called: Hereditary Cancer Syndrome; Hereditary neoplastic syndrome; Neoplastic Syndromes, Hereditary; Tumor predisposition. Identifiers: Orphanet 140162, MedGen C0027672, MeSH D009386, MONDO:0015356.

Submission:

Ambry Genetics
Classification: Uncertain significance for Hereditary cancer-predisposing syndrome. Last evaluated: 2020-11-29. Review status: criteria provided, single submitter. Criteria: Ambry Variant Classification Scheme 2023. Collection method: clinical testing. Allele origin: germline.
Comment: The p.F1869I variant (also known as c.5605T>A), located in coding exon 36 of the ATM gene, results from a T to A substitution at nucleotide position 5605. The phenylalanine at codon 1869 is replaced by isoleucine, an amino acid with highly similar properties. This amino acid position is highly conserved in available vertebrate species. In addition, the in silico prediction for this alteration is inconclusive. Since supporting evidence is limited at this time, the clinical significance of this alteration remains unclear.

NM_000051.4(ATM):c.5605T>A (p.Phe1869Ile)

Gene: ATM (ATM serine/threonine kinase; plus strand). Cytogenetic location: 11q22.3.
Variant type: single nucleotide variant.
Coding change: c.5605T>A on transcript NM_000051.4 (MANE Select); coding-DNA position 5605, T replaced by A.
Protein change: p.Phe1869Ile; replaces phenylalanine 1869 with isoleucine.
Molecular consequence: missense variant.
Genome position (GRCh38, 1-based): chr11:108,304,783, T>A. VCF-style: chr11-108304783-T-A. GRCh37 (hg19) VCF-style: chr11-108175510-T-A.
Other names: c.5605T>A, p.Phe1869Ile (NM_001351834.2); short protein forms F1869I.
Identifiers: ClinVar variation 1748597 (VCV001748597.2), dbSNP rs975721205, ClinGen allele CA382546251.